The following is an entry in ClinVar:

NM_000540.3(RYR1):c.12314C>G (p.Pro4105Arg)

Gene: RYR1 (ryanodine receptor 1; plus strand). Cytogenetic location: 19q13.2.
Variant type: single nucleotide variant.
Coding change: c.12314C>G on transcript NM_000540.3 (MANE Select); coding-DNA position 12314, C replaced by G.
Protein change: p.Pro4105Arg; replaces proline 4105 with arginine.
Molecular consequence: missense variant.
Genome position (GRCh38, 1-based): chr19:38,561,144, C>G. VCF-style: chr19-38561144-C-G. GRCh37 (hg19) VCF-style: chr19-39051784-C-G.
Other names: c.12299C>G, p.Pro4100Arg (NM_001042723.2); short protein forms P4105R, P4100R.
Identifiers: ClinVar variation 1448577 (VCV001448577.10), dbSNP rs1309530680, ClinGen allele CA405668020.
Genomic context (GRCh38, chr19:38,561,144, plus strand): 5'-ACCCCACTGACCTCCCTGCCCGCCCCCAGGCCATGGACAGCCAGAAGCAGTTCAGCGGTC[C>G]AGAAATCCAGTTCCTGCTTTCGTGCTCCGAAGCGGATGAGAACGAAATGATCAACTGCGA-3'
Protein context (NP_000531.2, residues 4095-4115): AMDSQKQFSG[Pro4105Arg]EIQFLLSCSE

ClinVar aggregate classification (germline): Uncertain significance. Review status: criteria provided, multiple submitters, no conflicts (2 of 4 stars). 3 submissions from 3 submitters: Uncertain significance (3). Last evaluated 2026-03-26.

Conditions:
Congenital myopathy with fiber type disproportion. Also called: Congenital fiber-type disproportion myopathy; Congenital fiber-type disproportion. Identifiers: Orphanet 2020, MedGen C0546264, MONDO:0009711. Inheritance: all.
Central core myopathy (CMYO1A). Also called: CONGENITAL MYOPATHY 1A, AUTOSOMAL DOMINANT, WITH SUSCEPTIBILITY TO MALIGNANT HYPERTHERMIA; Central core disease; Myopathy, central fibrillar. Identifiers: Orphanet 597, MedGen C5830701, MONDO:0007294, OMIM 117000.
Malignant hyperthermia, susceptibility to, 1 (MHS1). Also called: Malignant hyperthermia suceptibility 1; Anesthesia related hyperthermia; Malignant hyperpyrexia; Fulminating hyperpyrexia; Pharmacogenic myopathy; RYR1-Related Malignant Hyperthermia Susceptibility. Identifiers: Orphanet 423, MedGen C2930980, MONDO:0007783, OMIM 145600.
King Denborough syndrome (KDS). Identifiers: MedGen C1840365, MONDO:0020485, OMIM 619542.
Congenital multicore myopathy with external ophthalmoplegia (CMYO1B). Also called: Congenital myopathy 1B, autosomal recessive; Minicore myopathy; MULTICORE MYOPATHY; Minicore myopathy with external ophthalmoplegia; MULTIMINICORE DISEASE WITH EXTERNAL OPHTHALMOPLEGIA. Identifiers: Orphanet 598, Orphanet 98905, MedGen C1850674, MONDO:0009712, OMIM 255320, HP:0003789.
RYR1-related disorder. Also called: RYR1-related condition; RYR1-related disorders. Identifiers: MedGen CN239331.

Allele frequency attached by ClinVar (database versions not stated): gnomAD exomes below 0.00001; TOPMed 0.00001; gnomAD 0.00001.
gnomAD v4.1: 2 of 1,614,006 alleles (0.00012%); highest among the groups gnomAD compares: African/African-American, 0.0027%; no homozygotes.

Submissions (3):

GeneDx
Classification: Uncertain significance. Last evaluated: 2026-03-26. Review status: criteria provided, single submitter. Criteria: GeneDx Variant Classification Process June 2021. Collection method: clinical testing. Allele origin: germline.
Comment: Not observed at significant frequency in large population cohorts (gnomAD); In silico analysis suggests that this missense variant does not alter protein structure/function; Has not been previously published as pathogenic or benign to our knowledge

Labcorp Genetics (formerly Invitae), Labcorp
Classification: Uncertain significance for RYR1-related disorder. Last evaluated: 2022-03-03. Review status: criteria provided, single submitter. Criteria: Invitae Variant Classification Sherloc (09022015). Collection method: clinical testing. Allele origin: germline.
Comment: Advanced modeling of protein sequence and biophysical properties (such as structural, functional, and spatial information, amino acid conservation, physicochemical variation, residue mobility, and thermodynamic stability) performed at Invitae indicates that this missense variant is not expected to disrupt RYR1 protein function. This variant is present in population databases (no rsID available, gnomAD 0.007%). This variant has not been reported in the literature in individuals affected with RYR1-related conditions. In summary, the available evidence is currently insufficient to determine the role of this variant in disease. Therefore, it has been classified as a Variant of Uncertain Significance. This sequence change replaces proline, which is neutral and non-polar, with arginine, which is basic and polar, at codon 4105 of the RYR1 protein (p.Pro4105Arg).

Fulgent Genetics
Classification: Uncertain significance for Central core myopathy; Malignant hyperthermia, susceptibility to, 1; Congenital myopathy 4A, autosomal dominant; Congenital multicore myopathy with external ophthalmoplegia; King Denborough syndrome. Last evaluated: 2021-07-06. Review status: criteria provided, single submitter. Criteria: ACMG Guidelines, 2015. Collection method: clinical testing. Allele origin: unknown.